The following is an entry in ClinVar:

NM_032119.4(ADGRV1):c.10271C>T (p.Ser3424Phe)

Gene: ADGRV1 (adhesion G protein-coupled receptor V1; plus strand). Cytogenetic location: 5q14.3.
Variant type: single nucleotide variant.
Coding change: c.10271C>T on transcript NM_032119.4 (MANE Select); coding-DNA position 10271, C replaced by T.
Protein change: p.Ser3424Phe; replaces serine 3424 with phenylalanine.
Molecular consequence: missense variant. On other transcripts: non-coding transcript variant (1).
Genome position (GRCh38, 1-based): chr5:90,728,778, C>T. VCF-style: chr5-90728778-C-T. GRCh37 (hg19) VCF-style: chr5-90024595-C-T.
Other names: short protein forms S3424F.
Identifiers: ClinVar variation 1036442 (VCV001036442.6), dbSNP rs759854348, ClinGen allele CA3340720.

ClinVar aggregate classification (germline): Uncertain significance (1 of 4 stars; one submission).

Allele frequency attached by ClinVar (database versions not stated): gnomAD exomes below 0.00001 and 0.00001; ExAC 0.00001; TOPMed 0.00001.
gnomAD v4.1: 5 of 1,613,946 alleles (0.00031%); highest among the groups gnomAD compares: Admixed American, 0.005%; no homozygotes.

Submission:

Labcorp Genetics (formerly Invitae), Labcorp
Classification: Uncertain significance. Last evaluated: 2022-02-17. Review status: criteria provided, single submitter. Criteria: Invitae Variant Classification Sherloc (09022015). Collection method: clinical testing. Allele origin: germline.
Comment: This sequence change replaces serine, which is neutral and polar, with phenylalanine, which is neutral and non-polar, at codon 3424 of the ADGRV1 protein (p.Ser3424Phe). This variant is present in population databases (rs759854348, gnomAD 0.009%). This variant has not been reported in the literature in individuals affected with ADGRV1-related conditions. ClinVar contains an entry for this variant (Variation ID: 1036442). Algorithms developed to predict the effect of missense changes on protein structure and function are either unavailable or do not agree on the potential impact of this missense change (SIFT: "Deleterious"; PolyPhen-2: "Probably Damaging"; Align-GVGD: "Class C0"). In summary, the available evidence is currently insufficient to determine the role of this variant in disease. Therefore, it has been classified as a Variant of Uncertain Significance.